The following is an entry in ClinVar:

NM_007194.4(CHEK2):c.647T>G (p.Leu216Ter)

Gene: CHEK2 (checkpoint kinase 2; minus strand). Cytogenetic location: 22q12.1.
Variant type: single nucleotide variant.
Coding change: c.647T>G on transcript NM_007194.4 (MANE Select); coding-DNA position 647, T replaced by G.
Protein change: p.Leu216Ter; replaces leucine 216 with a stop codon.
Molecular consequence: nonsense. On other transcripts: 5 prime UTR variant (2), intron variant (1).
Genome position (GRCh38, 1-based): chr22:28,719,431, A>C on the plus strand (T>G on the coding strand, the complement: CHEK2 is on the minus strand). VCF-style: chr22-28719431-A-C. GRCh37 (hg19) VCF-style: chr22-29115419-A-C.
Other names: c.776T>G, p.Leu259Ter (NM_001005735.3, NM_001438294.1); c.-17T>G (NM_001257387.3, NM_001437942.1); c.740T>G, p.Leu247Ter (NM_001438293.1, NM_001438295.1); c.647T>G, p.Leu216Ter (NM_145862.3); c.482+5455T>G (NM_001349956.3); short protein forms L259*, L216*, L247*.
Identifiers: ClinVar variation 2809833 (VCV002809833.3), dbSNP rs2146005892, ClinGen allele CA411104980.

ClinVar aggregate classification (germline): Pathogenic (1 of 4 stars; one submission).

Conditions:
Familial cancer of breast. Also called: BREAST CANCER, FAMILIAL; hereditary breast carcinoma; Hereditary breast cancer. Identifiers: Orphanet 227535, MedGen C0346153, MONDO:0016419, OMIM 114480. Disease mechanism: loss of function.

Allele frequency attached by ClinVar (database versions not stated): gnomAD exomes below 0.00001.
gnomAD v4.1: 1 of 1,597,346 alleles (0.000063%); highest among the groups gnomAD compares: Non-Finnish European, 0.000085%; no homozygotes.

Submission:

Labcorp Genetics (formerly Invitae), Labcorp
Classification: Pathogenic for Familial cancer of breast. Last evaluated: 2025-06-17. Review status: criteria provided, single submitter. Criteria: Invitae Variant Classification Sherloc (09022015). Collection method: clinical testing. Allele origin: germline.
Comment: This sequence change creates a premature translational stop signal (p.Leu216*) in the CHEK2 gene. It is expected to result in an absent or disrupted protein product. Loss-of-function variants in CHEK2 are known to be pathogenic (PMID: 21876083, 24713400). This variant is not present in population databases (gnomAD no frequency). This variant has not been reported in the literature in individuals affected with CHEK2-related conditions. ClinVar contains an entry for this variant (Variation ID: 2809833). For these reasons, this variant has been classified as Pathogenic.

Literature cited by the submitters: PubMed 21876083; PubMed 24713400.